The following is an entry in ClinVar:

ClinVar aggregate classification (germline): Uncertain significance. Review status: criteria provided, multiple submitters, no conflicts (2 of 4 stars). 4 submissions from 4 submitters: Uncertain significance (2). 2 of the submissions do not count toward it. Last evaluated 2024-06-26.

Conditions:
Spinocerebellar ataxia 42, early-onset, severe, with neurodevelopmental deficits. Identifiers: MedGen C4748120, MONDO:0060758, OMIM 618087.
Spinocerebellar ataxia type 42. Identifiers: Orphanet 458803, MedGen C4225205, MONDO:0014776, OMIM 616795.

Allele frequency attached by ClinVar (database versions not stated): 1000 Genomes Project 30x 0.00047; 1000 Genomes Project 0.00060.
gnomAD v4.1: 76 of 1,613,676 alleles (0.0047%); highest among the groups gnomAD compares: East Asian, 0.0089%; no homozygotes.

Submissions (4):

Blueprint Genetics
Classification: Uncertain significance. Last evaluated: 2024-06-26. Review status: criteria provided, single submitter. Criteria: ACMG Guidelines, 2015. Collection method: clinical testing. Allele origin: germline.

Labcorp Genetics (formerly Invitae), Labcorp
Classification: Uncertain significance. Last evaluated: 2022-06-21. Review status: criteria provided, single submitter. Criteria: Invitae Variant Classification Sherloc (09022015). Collection method: clinical testing. Allele origin: germline.
Comment: In summary, the available evidence is currently insufficient to determine the role of this variant in disease. Therefore, it has been classified as a Variant of Uncertain Significance. Algorithms developed to predict the effect of sequence changes on RNA splicing suggest that this variant may create or strengthen a splice site. Algorithms developed to predict the effect of missense changes on protein structure and function are either unavailable or do not agree on the potential impact of this missense change (SIFT: "Deleterious"; PolyPhen-2: "Benign"; Align-GVGD: "Class C35"). This variant has not been reported in the literature in individuals affected with CACNA1G-related conditions. This variant is present in population databases (rs200024646, gnomAD 0.01%). This sequence change replaces arginine, which is basic and polar, with serine, which is neutral and polar, at codon 1264 of the CACNA1G protein (p.Arg1264Ser).

O&I group, Department of Genetics, University Medical Center of Groningen
Classification: Likely pathogenic for Spinocerebellar ataxia type 42. Last evaluated: 2021-07-22. Review status: no assertion criteria provided. Collection method: research. Allele origin: unknown. Affected: yes. Not counted in ClinVar's aggregate classification.

Hong-Tao Li Lab, Institute of Brain Science and Brain-inspired Research, Shandong First Medical University & Shandong Academy of Medical Sciences China
Classification: Uncertain significance for Spinocerebellar ataxia 42, early-onset, severe, with neurodevelopmental deficits. Review status: no assertion criteria provided. Collection method: research. Allele origin: germline. Inheritance: Autosomal dominant inheritance. Affected: yes. Observed: 2 variant alleles, 2 heterozygotes. Not counted in ClinVar's aggregate classification.
Comment: Observed in affected individuals from a Pakistani neurodevelopmental-disorder research cohort of 263 individuals. Classification assigned using the ACMG/AMP framework. Population-frequency evidence: gnomAD AF 6.063e-05; 8.48954e-07.

Literature cited by the submitters: DOI 10.3389/fgene.2022.782685 (cited by O&I group, Department of Genetics, University Medical Center of Groningen).

NM_018896.5(CACNA1G):c.3792G>T (p.Arg1264Ser)

Gene: CACNA1G (calcium voltage-gated channel subunit alpha1 G; plus strand). Cytogenetic location: 17q21.33.
Variant type: single nucleotide variant.
Coding change: c.3792G>T on transcript NM_018896.5 (MANE Select); coding-DNA position 3792, G replaced by T.
Protein change: p.Arg1264Ser; replaces arginine 1264 with serine.
Molecular consequence: missense variant. On other transcripts: non-coding transcript variant (5).
Genome position (GRCh38, 1-based): chr17:50,601,051, G>T. VCF-style: chr17-50601051-G-T. GRCh37 (hg19) VCF-style: chr17-48678412-G-T.
Other names: c.3792G>T, p.Arg1264Ser (NM_001256324.2, NM_001256325.2, NM_001256326.2 and 16 more transcripts); c.3723G>T, p.Arg1241Ser (NM_001256332.2, NM_198376.3, NM_198379.3 and 5 more transcripts); short protein forms R1241S, R1264S.
Identifiers: ClinVar variation 1298315 (VCV001298315.9), dbSNP rs200024646, ClinGen allele CA8652854.
Genomic context (GRCh38, chr17:50,601,051, plus strand): 5'-GCCTCTCGTTGCCACCTGCCCTGCCTCCCCCTCTCAGCCGTTGCCTCCATGCCTGGGCAG[G>T]TTCCGCCTCCTGTGTCACCGGATCATCACCCACAAGATGTTCGACCACGTGGTCCTTGTC-3'
Protein context (NP_061496.2, residues 1254-1274): WSAYIFPPQS[Arg1264Ser]FRLLCHRIIT